The following is an entry in ClinVar:

ClinVar aggregate classification (germline): Likely benign. Review status: reviewed by expert panel (3 of 4 stars). 19 submissions from 16 submitters: Likely benign (1). 18 of the submissions do not count toward it. Last evaluated 2021-03-18.

Conditions:
RYR1-related disorder. Also called: RYR1-related disorders; RYR1-related condition. Identifiers: MedGen CN239331.
Malignant hyperthermia of anesthesia. Also called: Anesthesic-triggered malignant hyperthermia. Identifiers: Orphanet 423, MedGen C0024591, MONDO:0018493, HP:0034733.
Central core myopathy (CMYO1A). Also called: CONGENITAL MYOPATHY 1A, AUTOSOMAL DOMINANT, WITH SUSCEPTIBILITY TO MALIGNANT HYPERTHERMIA; Central core disease; Myopathy, central fibrillar. Identifiers: Orphanet 597, MedGen C5830701, MONDO:0007294, OMIM 117000.
Congenital multicore myopathy with external ophthalmoplegia (CMYO1B). Also called: Congenital myopathy 1B, autosomal recessive; Minicore myopathy; MULTICORE MYOPATHY; MULTIMINICORE DISEASE WITH EXTERNAL OPHTHALMOPLEGIA; Minicore myopathy with external ophthalmoplegia. Identifiers: Orphanet 598, Orphanet 98905, MedGen C1850674, MONDO:0009712, OMIM 255320, HP:0003789.
Malignant hyperthermia, susceptibility to, 1 (MHS1). Also called: Malignant hyperthermia suceptibility 1; Anesthesia related hyperthermia; Malignant hyperpyrexia; Fulminating hyperpyrexia; Pharmacogenic myopathy; RYR1-Related Malignant Hyperthermia Susceptibility. Identifiers: Orphanet 423, MedGen C2930980, MONDO:0007783, OMIM 145600.

Allele frequency attached by ClinVar (database versions not stated): 1000 Genomes Project 30x 0.00031; 1000 Genomes Project 0.00040; TOPMed 0.00072; ESP Exome Variant Server 0.00092; gnomAD 0.00096 and 0.00101; gnomAD exomes 0.00113; ExAC 0.00153.
gnomAD v4.1: 2,040 of 1,611,126 alleles (0.13%); highest among the groups gnomAD compares: Non-Finnish European, 0.15%; 3 homozygotes.

Submissions 1 to 14 of 19:

ClinGen Malignant Hyperthermia Susceptibility Variant Curation Expert Panel, ClinGen
Classification: Likely benign for Malignant hyperthermia, susceptibility to, 1. Last evaluated: 2021-03-18. Review status: reviewed by expert panel. Criteria: ClinGen MHS ACMG Specifications V1. Collection method: curation. Allele origin: germline. Inheritance: Autosomal dominant inheritance. Study: ClinGen.
Comment: This pathogenicity assessment is relevant only for malignant hyperthermia susceptibility (MHS) inherited in an autosomal dominant pattern. Variants in RYR1 can also cause other myopathies inherited in an autosomal dominant pattern or in an autosomal recessive pattern. Some of these disorders may predispose individuals to malignant hyperthermia. RYR1 variants may also contribute to a malignant hyperthermia reaction in combination with other genetic and non-genetic factors and the clinician needs to consider such factors in making management decisions. This sequence variant predicts a substitution of Arginine with Histidine at codon 1679 of the RYR1 protein, p.(Arg1679His). The maximum allele frequency for this variant among the six major gnomAD populations is NFE: 0.0022, this is considered to be more common than expected for a pathogenic variant causing autosomal dominantly inherited MHS, BS1. This variant has been reported in 2 unrelated individuals who have a personal or family history of a malignant hyperthermia reaction, 2 of these individuals had a positive in vitro contracture test (IVCT) or caffeine halothane contracture test (CHCT) result (if the proband was unavailable for testing, a positive diagnostic test result in a mutation-positive relative was counted), (PMID:19346234, PMID:20142353). However, the high MAF in the NFE population in gnomAD precludes the use of PS4. This variant has been identified in an individual with negative IVCT/CHCT result, BS2_Moderate (PMID:19346234). A functional study was published for this variant using patient lymphocytes, this assay is not considered a standard assay by the ClinGen RYR1 VCEP for MHS (PMID:20142353). This variant does not reside in a hotspot for pathogenic variants that contribute to MHS. A REVEL score >0.85 (0.918) supports a pathogenic status for this variant, PP3_Moderate. Based on using Bayes to combine criteria this variant is assessed as Likely Benign, (PMID: 29300386). Criteria implemented: BS1, BS2_Moderate, PP3_Moderate.

CeGaT Center for Human Genetics Tuebingen
Classification: Likely benign. Last evaluated: 2026-09-01. Review status: criteria provided, single submitter. Criteria: CeGaT Center For Human Genetics Tuebingen Variant Classification Criteria Version 2. Collection method: clinical testing. Allele origin: germline. Affected: yes. Observed: 11 variant alleles. Not counted in ClinVar's aggregate classification.
Comment: RYR1: PP3, BS2

Labcorp Genetics (formerly Invitae), Labcorp
Classification: Likely benign for RYR1-related disorder. Last evaluated: 2026-01-28. Review status: criteria provided, single submitter. Criteria: Invitae Variant Classification Sherloc (09022015). Collection method: clinical testing. Allele origin: germline. Not counted in ClinVar's aggregate classification.

Mayo Clinic Laboratories, Mayo Clinic
Classification: Uncertain significance. Last evaluated: 2024-12-17. Review status: criteria provided, single submitter. Criteria: ACMG Guidelines, 2015. Collection method: clinical testing. Allele origin: germline. Observed: 2 variant alleles. Not counted in ClinVar's aggregate classification.
Comment: PP3_moderate

Blueprint Genetics
Classification: Likely benign. Last evaluated: 2024-11-07. Review status: criteria provided, single submitter. Criteria: ACMG Guidelines, 2015. Collection method: clinical testing. Allele origin: germline. Not counted in ClinVar's aggregate classification.

All of Us Research Program, National Institutes of Health
Classification: Likely benign for Malignant hyperthermia, susceptibility to, 1. Last evaluated: 2024-09-11. Review status: criteria provided, single submitter. Criteria: ACMG Guidelines, 2015. Collection method: clinical testing. Allele origin: germline. Inheritance: Autosomal dominant inheritance. Observed: 322 variant alleles, 322 heterozygotes. Not counted in ClinVar's aggregate classification.
Comment: This study involves interpretation of variants in research participants for the purpose of population health screening. Participant phenotype was not available at the time of variant classification. Additional details can be found in publication PMID: 35346344, PMCID: PMC8962531

Color Diagnostics, LLC DBA Color Health
Classification: Likely benign for Malignant hyperthermia, susceptibility to, 1. Last evaluated: 2022-09-23. Review status: criteria provided, single submitter. Criteria: ACMG Guidelines, 2015. Collection method: clinical testing. Allele origin: germline. Not counted in ClinVar's aggregate classification.

GeneDx
Classification: Likely benign. Last evaluated: 2021-06-14. Review status: criteria provided, single submitter. Criteria: GeneDx Variant Classification Process June 2021. Collection method: clinical testing. Allele origin: germline. Affected: yes. Not counted in ClinVar's aggregate classification.
Comment: This variant is associated with the following publications: (PMID: 19346234, 23919265, 24055113, 25637381, 20142353, 25985138, 26332594, 27153395, 29441698, 24195946, 30611313, 30325262, 31517061, 21965348, 20681998, 22473935)

Mendelics
Classification: Benign for Malignant hyperthermia, susceptibility to, 1. Last evaluated: 2019-05-28. Review status: criteria provided, single submitter. Criteria: Mendelics Assertion Criteria 2017. Collection method: clinical testing. Allele origin: unknown. Not counted in ClinVar's aggregate classification.

Illumina Laboratory Services, Illumina
Classification: Likely benign for Congenital multicore myopathy with external ophthalmoplegia. Last evaluated: 2018-08-02. Review status: criteria provided, single submitter. Criteria: ICSL Variant Classification Criteria 13 December 2019. Collection method: clinical testing. Allele origin: germline. Not counted in ClinVar's aggregate classification.
Comment: This variant was observed as part of a predisposition screen in an ostensibly healthy population. A literature search was performed for the gene, cDNA change, and amino acid change (where applicable). No publications were found based on this search. Allele frequency data from public databases allowed determination this variant is unlikely to cause disease. Therefore, this variant is classified as likely benign.

Illumina Laboratory Services, Illumina
Classification: Likely benign for Central core myopathy. Last evaluated: 2018-08-02. Review status: criteria provided, single submitter. Criteria: ICSL Variant Classification Criteria 13 December 2019. Collection method: clinical testing. Allele origin: germline. Not counted in ClinVar's aggregate classification.
Comment: the same text as in the submission from Illumina Laboratory Services, Illumina above.

Illumina Laboratory Services, Illumina
Classification: Likely benign for Malignant hyperthermia, susceptibility to, 1. Last evaluated: 2018-08-02. Review status: criteria provided, single submitter. Criteria: ICSL Variant Classification Criteria 13 December 2019. Collection method: clinical testing. Allele origin: germline. Not counted in ClinVar's aggregate classification.
Comment: This variant was observed as part of a predisposition screen in an ostensibly healthy population. A literature search was performed for the gene, cDNA change, and amino acid change (where applicable). Publications were found based on this search. The evidence from the literature, in combination with allele frequency data from public databases where available, was sufficient to determine this variant is unlikely to cause disease. Therefore, this variant is classified as likely benign.

Laboratory for Molecular Medicine, Mass General Brigham Personalized Medicine
Classification: Uncertain significance. Last evaluated: 2017-01-24. Review status: criteria provided, single submitter. Criteria: LMM Criteria. Collection method: clinical testing. Allele origin: germline. Not counted in ClinVar's aggregate classification.
Comment: Variant identified in a genome or exome case(s) and assessed due to predicted null impact of the variant or pathogenic assertions in the literature or databases. Disclaimer: This variant has not undergone full assessment. The following are preliminary notes: This variant has been reported in 5 papers, with comments suggesting VUS in relation to TAAD. It is present in gnomAD with a Max MAF of 0.13% (14/10158 Ashkenazi Jews). It is classified in ClinVar with 2 stars as VUS by Ambry and CSER_CC_NCGL.

Genetic Services Laboratory, University of Chicago
Classification: Likely benign. Last evaluated: 2016-07-21. Review status: criteria provided, single submitter. Criteria: ACMG Guidelines, 2015. Collection method: clinical testing. Allele origin: germline. Affected: no. Not counted in ClinVar's aggregate classification.

NM_000540.3(RYR1):c.5036G>A (p.Arg1679His)

Gene: RYR1 (ryanodine receptor 1; plus strand). Cytogenetic location: 19q13.2.
Variant type: single nucleotide variant.
Coding change: c.5036G>A on transcript NM_000540.3 (MANE Select); coding-DNA position 5036, G replaced by A.
Protein change: p.Arg1679His; replaces arginine 1679 with histidine.
Molecular consequence: missense variant.
Genome position (GRCh38, 1-based): chr19:38,485,691, G>A. VCF-style: chr19-38485691-G-A. GRCh37 (hg19) VCF-style: chr19-38976331-G-A.
Other names: NM_000540.3(RYR1):c.5036G>A; c.5036G>A, p.Arg1679His (NM_001042723.2); short protein forms R1679H.
Identifiers: ClinVar variation 161364 (VCV000161364.79), dbSNP rs146504767, ClinGen allele CA024479.